The following is an entry in ClinVar:

ClinVar aggregate classification (germline): Benign/Likely benign. Review status: criteria provided, single submitter (1 of 4 stars). 2 submissions from 1 submitter: Benign (1); Likely benign (1). Last evaluated 2018-01-13.

Conditions:
Branchiootic syndrome 3 (BOS3). Also called: BO SYNDROME 3. Identifiers: MedGen C1842124, MONDO:0012025, OMIM 608389.
Autosomal dominant nonsyndromic hearing loss 23. Identifiers: Orphanet 90635, MedGen C1854594, MONDO:0011519, OMIM 605192.

Allele frequency attached by ClinVar (database versions not stated): gnomAD 0.00005 and 0.00009; TOPMed 0.00013; ExAC 0.00014; 1000 Genomes Project 0.00100.
gnomAD v4.1: 94 of 1,598,320 alleles (0.0059%); highest among the groups gnomAD compares: East Asian, 0.2%; no homozygotes.

Submissions (2):

Illumina Laboratory Services, Illumina
Classification: Benign for Branchiootic syndrome 3. Last evaluated: 2018-01-13. Review status: criteria provided, single submitter. Criteria: ICSL Variant Classification Criteria 13 December 2019. Collection method: clinical testing. Allele origin: germline.
Comment: This variant was observed in the ICSL laboratory as part of a predisposition screen in an ostensibly healthy population. It had not been previously curated by ICSL or reported in the Human Gene Mutation Database (HGMD: prior to June 1st, 2018), and was therefore a candidate for classification through an automated scoring system. Utilizing variant allele frequency, disease prevalence and penetrance estimates, and inheritance mode, an automated score was calculated to assess if this variant is too frequent to cause the disease. Based on the score and internal cut-off values, a variant classified as benign is not then subjected to further curation. The score for this variant resulted in a classification of benign for this disease.

Illumina Laboratory Services, Illumina
Classification: Likely benign for Autosomal dominant nonsyndromic hearing loss 23. Last evaluated: 2018-01-13. Review status: criteria provided, single submitter. Criteria: ICSL Variant Classification Criteria 13 December 2019. Collection method: clinical testing. Allele origin: germline.
Comment: This variant was observed in the ICSL laboratory as part of a predisposition screen in an ostensibly healthy population. It had not been previously curated by ICSL or reported in the Human Gene Mutation Database (HGMD: prior to June 1st, 2018), and was therefore a candidate for classification through an automated scoring system. Utilizing variant allele frequency, disease prevalence and penetrance estimates, and inheritance mode, an automated score was calculated to assess if this variant is too frequent to cause the disease. Based on the score and internal cut-off values, a variant classified as likely benign is not then subjected to further curation. The score for this variant resulted in a classification of likely benign for this disease.

NM_005982.4(SIX1):c.-24C>T

Gene: SIX1 (SIX homeobox 1; minus strand). Cytogenetic location: 14q23.1.
Variant type: single nucleotide variant.
Coding change: c.-24C>T on transcript NM_005982.4 (MANE Select); 24 bases upstream of the start codon, C replaced by T.
Molecular consequence: 5 prime UTR variant.
Genome position (GRCh38, 1-based): chr14:60,649,213, G>A on the plus strand (C>T on the coding strand, the complement: SIX1 is on the minus strand). VCF-style: chr14-60649213-G-A. GRCh37 (hg19) VCF-style: chr14-61115931-G-A.
Identifiers: ClinVar variation 882199 (VCV000882199.4), dbSNP rs201700039, ClinGen allele CA7212884.
Genomic context (GRCh38, chr14:60,649,213, plus strand): 5'-GCTCCTGCGTAAAGCCAAACGACGGCAGCATCGACATGGCTGGGGCCTGCCGGGGCGCAC[G>A]GCCCAGGCGCACGCGGCAGGGAGCAGAGCCGAGAGGCAGGGGGCGGCGGCCGCAGGGAGG-3'